The following is an entry in ClinVar:

NM_000277.3(PAH):c.1016C>T (p.Ser339Phe)

Gene: PAH (phenylalanine hydroxylase; minus strand). Cytogenetic location: 12q23.2.
Variant type: single nucleotide variant.
Coding change: c.1016C>T on transcript NM_000277.3 (MANE Select); coding-DNA position 1016, C replaced by T.
Protein change: p.Ser339Phe; replaces serine 339 with phenylalanine.
Molecular consequence: missense variant.
Genome position (GRCh38, 1-based): chr12:102,844,385, G>A on the plus strand (C>T on the coding strand, the complement: PAH is on the minus strand). VCF-style: chr12-102844385-G-A. GRCh37 (hg19) VCF-style: chr12-103238163-G-A.
Other names: NM_001354304.2:c.1016C>T; c.1016C>T, p.Ser339Phe (NM_001354304.2); short protein forms S339F.
Identifiers: ClinVar variation 1810387 (VCV001810387.1), dbSNP rs2499615095, ClinGen allele CA386493446.

ClinVar aggregate classification (germline): Likely pathogenic (3 of 4 stars; one submission).

Conditions:
Phenylketonuria (PKU). Also called: Phenylketonurias; OLIGOPHRENIA PHENYLPYRUVICA; FOLLING DISEASE; Phenylketonuria (PKU). Identifiers: Orphanet 716, MedGen C0031485, MONDO:0009861, OMIM 261600. Disease mechanism: loss of function.

Submission:

ClinGen PAH Variant Curation Expert Panel
Classification: Likely pathogenic for Phenylketonuria. Last evaluated: 2022-07-30. Review status: reviewed by expert panel. Criteria: ClinGen PAH ACMG Specifications v1. Collection method: curation. Allele origin: germline. Inheritance: Autosomal recessive inheritance.
Comment: This c.1016 C>T (p.Ser339Phe) variant was detected in a patient with mPKU in trans with the pathogenic variant p. Ex6-96A>G (PMID: 28982351). This variant was absent in population databases. Multiple lines of computational evidence support a deleterious effect. In summary, this variant meets criteria to be classified as likely pathogenic for PAH. PAH-specific ACMG/AMP criteria applied: PM3, PM2, PP3, PP4.